The following is an entry in ClinVar:

ClinVar aggregate classification (germline): Uncertain significance (1 of 4 stars; one submission).

Conditions:
Autosomal recessive limb-girdle muscular dystrophy type 2J (LGMDR10). Also called: MUSCULAR DYSTROPHY, LIMB-GIRDLE, AUTOSOMAL RECESSIVE 10; Limb-girdle muscular dystrophy, type 2J. Identifiers: Orphanet 140922, MedGen C1837342, MONDO:0012127, OMIM 608807.
Dilated cardiomyopathy 1G (CMD1G). Identifiers: Orphanet 154, MedGen C1858763, MONDO:0011400, OMIM 604145.

gnomAD v4.1: 1 of 1,609,160 alleles (0.000062%); highest among the groups gnomAD compares: South Asian, 0.0011%; no homozygotes.

Submission:

Labcorp Genetics (formerly Invitae), Labcorp
Classification: Uncertain significance for Dilated cardiomyopathy 1G; Autosomal recessive limb-girdle muscular dystrophy type 2J. Last evaluated: 2025-10-17. Review status: criteria provided, single submitter. Criteria: Invitae Variant Classification Sherloc (09022015). Collection method: clinical testing. Allele origin: germline.
Comment: This sequence change replaces phenylalanine, which is neutral and non-polar, with isoleucine, which is neutral and non-polar, at codon 33909 of the TTN protein (p.Phe33909Ile). This variant is not present in population databases (gnomAD no frequency). This variant has not been reported in the literature in individuals affected with TTN-related conditions. Experimental studies and prediction algorithms are not available or were not evaluated, and the functional significance of this variant is currently unknown. This variant is located in the M band of TTN (PMID: 25589632). Non-truncating variants in this region may be relevant for neuromuscular disorders, but have not been definitively shown to cause cardiomyopathy (PMID: 23975875). In summary, the available evidence is currently insufficient to determine the role of this variant in disease. Therefore, it has been classified as a Variant of Uncertain Significance.

Literature cited by the submitters: PubMed 25589632; PubMed 23975875.

NM_001267550.2(TTN):c.101725T>A (p.Phe33909Ile)

Genes: TTN (titin; minus strand), TTN-AS1 (TTN antisense RNA 1; plus strand). Cytogenetic location: 2q31.2.
Variant type: single nucleotide variant.
Coding change: c.101725T>A on transcript NM_001267550.2 (MANE Select); coding-DNA position 101725, T replaced by A.
Protein change: p.Phe33909Ile; replaces phenylalanine 33909 with isoleucine.
Molecular consequence: missense variant.
Genome position (GRCh38, 1-based): chr2:178,534,890, A>T on the plus strand (T>A on the coding strand, the complement: TTN is on the minus strand). VCF-style: chr2-178534890-A-T. GRCh37 (hg19) VCF-style: chr2-179399617-A-T.
Other names: c.96802T>A, p.Phe32268Ile (NM_001256850.1); c.74530T>A, p.Phe24844Ile (NM_003319.4); c.94021T>A, p.Phe31341Ile (NM_133378.4); c.74905T>A, p.Phe24969Ile (NM_133432.3); c.75106T>A, p.Phe25036Ile (NM_133437.4); short protein forms F24844I, F33909I, F24969I, F31341I, F32268I, F25036I.
Identifiers: ClinVar variation 4795028 (VCV004795028.1).